The following is an entry in ClinVar:

ClinVar aggregate classification (germline): Likely benign. Review status: criteria provided, multiple submitters, no conflicts (2 of 4 stars). 3 submissions from 3 submitters: Likely benign (3). Last evaluated 2025-10-08.

Conditions:
REEP1-related disorder. Also called: REEP1-related condition.
Hereditary spastic paraplegia 31. Also called: SPASTIC PARAPLEGIA 31, AUTOSOMAL DOMINANT. Identifiers: Orphanet 101011, MedGen C1853247, MONDO:0012453, OMIM 610250.

Allele frequency attached by ClinVar (database versions not stated): gnomAD 0.00005 and 0.00006; gnomAD exomes 0.00006 and 0.00007; TOPMed 0.00006; ESP Exome Variant Server 0.00008; ExAC 0.00011.

Submissions (3):

Labcorp Genetics (formerly Invitae), Labcorp
Classification: Likely benign for Hereditary spastic paraplegia 31. Last evaluated: 2025-10-08. Review status: criteria provided, single submitter. Criteria: Invitae Variant Classification Sherloc (09022015). Collection method: clinical testing. Allele origin: germline.

PreventionGenetics, part of Exact Sciences
Classification: Likely benign for REEP1-related condition. Last evaluated: 2025-08-06. Review status: criteria provided, single submitter. Criteria: ACMG Guidelines, 2015. Collection method: clinical testing. Allele origin: germline.
Comment: This variant is classified as likely benign based on ACMG/AMP sequence variant interpretation guidelines (Richards et al. 2015 PMID: 25741868, with internal and published modifications).

CeGaT Center for Human Genetics Tuebingen
Classification: Likely benign. Last evaluated: 2022-12-01. Review status: criteria provided, single submitter. Criteria: CeGaT Center For Human Genetics Tuebingen Variant Classification Criteria Version 2. Collection method: clinical testing. Allele origin: germline. Affected: yes. Observed: 1 variant allele.
Comment: REEP1: BP4

NM_001371279.1(REEP1):c.106-7T>A

Gene: REEP1 (receptor accessory protein 1; minus strand). Cytogenetic location: 2p11.2.
Variant type: single nucleotide variant.
Coding change: c.106-7T>A on transcript NM_001371279.1 (MANE Select); 7 bases into the intron before coding-DNA position 106, T replaced by A.
Molecular consequence: intron variant.
Genome position (GRCh38, 1-based): chr2:86,264,048, A>T on the plus strand (T>A on the coding strand, the complement: REEP1 is on the minus strand). VCF-style: chr2-86264048-A-T. GRCh37 (hg19) VCF-style: chr2-86491171-A-T.
Other names: c.127-7T>A (NM_001164730.2); c.25-7T>A (NM_001164731.2); c.106-7T>A (NM_001164732.2, NM_001371280.1, NM_022912.3).
Identifiers: ClinVar variation 534221 (VCV000534221.39), dbSNP rs373564876, ClinGen allele CA1748813.